The following is an entry in ClinVar:

ClinVar aggregate classification (germline): Uncertain significance (1 of 4 stars; one submission).

gnomAD v4.1: 2 of 1,579,946 alleles (0.00013%); highest among the groups gnomAD compares: Non-Finnish European, 0.000086%; no homozygotes.

Submission:

GeneDx
Classification: Uncertain significance. Last evaluated: 2024-04-25. Review status: criteria provided, single submitter. Criteria: GeneDx Variant Classification Process June 2021. Collection method: clinical testing. Allele origin: germline. Affected: yes.
Comment: Not observed at significant frequency in large population cohorts (gnomAD); In silico analysis indicates that this missense variant does not alter protein structure/function; Has not been previously published as pathogenic or benign to our knowledge

NM_015001.3(SPEN):c.9722C>T (p.Ala3241Val)

Gene: SPEN (spen family transcriptional repressor; plus strand). Cytogenetic location: 1p36.13.
Variant type: single nucleotide variant.
Coding change: c.9722C>T on transcript NM_015001.3 (MANE Select); coding-DNA position 9722, C replaced by T.
Protein change: p.Ala3241Val; replaces alanine 3241 with valine.
Molecular consequence: missense variant.
Genome position (GRCh38, 1-based): chr1:15,935,962, C>T. VCF-style: chr1-15935962-C-T. GRCh37 (hg19) VCF-style: chr1-16262457-C-T.
Other names: short protein forms A3241V.
Identifiers: ClinVar variation 3373017 (VCV003373017.1).